The following is an entry in ClinVar:

ClinVar aggregate classification (germline): Uncertain significance (1 of 4 stars; one submission).

Submission:

Labcorp Genetics (formerly Invitae), Labcorp
Classification: Uncertain significance. Last evaluated: 2024-03-05. Review status: criteria provided, single submitter. Criteria: Invitae Variant Classification Sherloc (09022015). Collection method: clinical testing. Allele origin: germline.
Comment: This sequence change replaces glycine, which is neutral and non-polar, with aspartic acid, which is acidic and polar, at codon 154 of the MYLK3 protein (p.Gly154Asp). This variant is not present in population databases (gnomAD no frequency). This variant has not been reported in the literature in individuals affected with MYLK3-related conditions. An algorithm developed to predict the effect of missense changes on protein structure and function (PolyPhen-2) suggests that this variant is likely to be tolerated. In summary, the available evidence is currently insufficient to determine the role of this variant in disease. Therefore, it has been classified as a Variant of Uncertain Significance.

NM_182493.3(MYLK3):c.461G>A (p.Gly154Asp)

Gene: MYLK3 (myosin light chain kinase 3; minus strand). Cytogenetic location: 16q11.2.
Variant type: single nucleotide variant.
Coding change: c.461G>A on transcript NM_182493.3 (MANE Select); coding-DNA position 461, G replaced by A.
Protein change: p.Gly154Asp; replaces glycine 154 with aspartic acid.
Molecular consequence: missense variant. On other transcripts: intron variant (1).
Genome position (GRCh38, 1-based): chr16:46,747,733, C>T on the plus strand (G>A on the coding strand, the complement: MYLK3 is on the minus strand). VCF-style: chr16-46747733-C-T. GRCh37 (hg19) VCF-style: chr16-46781645-C-T.
Other names: c.-113-7586G>A (NM_001308301.1); short protein forms G154D.
Identifiers: ClinVar variation 3700324 (VCV003700324.2).